The following is an entry in ClinVar:

NM_001197104.2(KMT2A):c.9759T>C (p.Ser3253=)

Gene: KMT2A (lysine methyltransferase 2A; plus strand). Cytogenetic location: 11q23.3.
Variant type: single nucleotide variant.
Coding change: c.9759T>C on transcript NM_001197104.2 (MANE Select); coding-DNA position 9759, T replaced by C.
Protein change: p.Ser3253=; no amino-acid change (serine 3253 retained).
Molecular consequence: synonymous variant.
Genome position (GRCh38, 1-based): chr11:118,505,651, T>C. VCF-style: chr11-118505651-T-C. GRCh37 (hg19) VCF-style: chr11-118376366-T-C.
Other names: c.9849T>C, p.Ser3283= (NM_001412597.1); c.9750T>C, p.Ser3250= (NM_005933.4).
Identifiers: ClinVar variation 2642432 (VCV002642432.24), dbSNP rs2134407687, ClinGen allele CA477361122.

ClinVar aggregate classification (germline): Likely benign (1 of 4 stars; one submission).

Submission:

CeGaT Center for Human Genetics Tuebingen
Classification: Likely benign. Last evaluated: 2022-03-01. Review status: criteria provided, single submitter. Criteria: CeGaT Center For Human Genetics Tuebingen Variant Classification Criteria Version 2. Collection method: clinical testing. Allele origin: germline. Affected: yes. Observed: 1 variant allele.
Comment: KMT2A: PM2:Supporting, BP4, BP7